The following is an entry in ClinVar:

ClinVar aggregate classification (germline): Pathogenic. Review status: criteria provided, multiple submitters, no conflicts (2 of 4 stars). 2 submissions from 2 submitters: Pathogenic (2). Last evaluated 2024-09-22.

Conditions:
Pleuropulmonary blastoma (PPB). Identifiers: Orphanet 64742, MedGen C1266144, MONDO:0011014, OMIM 601200, HP:0100528.
DICER1-related tumor predisposition. Also called: DICER1-related pleuropulmonary blastoma cancer predisposition syndrome; DICER1 syndrome. Identifiers: Orphanet 284343, MedGen C3839822, MONDO:0100216.

Submissions (2):

Genomic Medicine Center of Excellence, King Faisal Specialist Hospital and Research Centre
Classification: Pathogenic for Pleuropulmonary blastoma. Last evaluated: 2024-09-22. Review status: criteria provided, single submitter. Criteria: ACMG Guidelines, 2015. Collection method: clinical testing. Allele origin: germline.

Foulkes Cancer Genetics LDI, Lady Davis Institute for Medical Research
Classification: Pathogenic for Pleuropulmonary blastoma. Last evaluated: 2019-07-01. Review status: criteria provided, single submitter. Criteria: ACMG Guidelines, 2015. Collection method: curation. Allele origin: somatic. Affected: yes. Observed: 1 variant allele.
Comment: ACMG criteria met: PVS1, PM2, PP3

Literature cited by the submitters: PubMed 26841698 (cited by Foulkes Cancer Genetics LDI, Lady Davis Institute for Medical Research).

NM_177438.3(DICER1):c.2773G>T (p.Glu925Ter)

Gene: DICER1 (dicer 1, ribonuclease III; minus strand). Cytogenetic location: 14q32.13.
Variant type: single nucleotide variant.
Coding change: c.2773G>T on transcript NM_177438.3 (MANE Select); coding-DNA position 2773, G replaced by T.
Protein change: p.Glu925Ter; replaces glutamic acid 925 with a stop codon.
Molecular consequence: nonsense.
Genome position (GRCh38, 1-based): chr14:95,107,639, C>A on the plus strand (G>T on the coding strand, the complement: DICER1 is on the minus strand). VCF-style: chr14-95107639-C-A. GRCh37 (hg19) VCF-style: chr14-95573976-C-A.
Other names: c.2773G>T, p.Glu925Ter (NM_001195573.1, NM_001271282.3, NM_001291628.2 and 1 more transcripts); short protein forms E925*.
Identifiers: ClinVar variation 933062 (VCV000933062.4), dbSNP rs1891554648, ClinGen allele CA390879469.